The following is an entry in ClinVar:

NM_001190274.2(FBXO11):c.129_134dup (p.Pro45_Pro46insGlnPro)

Genes: FBXO11 (F-box protein 11; minus strand), LOC100506235 (uncharacterized LOC100506235; plus strand). Cytogenetic location: 2p16.3.
Variant type: Duplication.
Coding change: c.129_134dup on transcript NM_001190274.2 (MANE Select); coding-DNA positions 129 to 134, 6 bases duplicated (GCAGCC; older notation c.129_134dupGCAGCC).
Protein change: p.Pro45_Pro46insGlnPro.
Molecular consequence: non-coding transcript variant (on NR_187636.1).
Genome position (GRCh38, 1-based): chr2:47,905,587-47,905,592, GGCTGC duplicated on the plus strand (GCAGCC on the coding strand, the reverse complement: FBXO11 is on the minus strand). VCF-style (leftmost placement, unchanged base first): chr2-47905586-A-AGGCTGC. GRCh37 (hg19) VCF-style: chr2-48132725-A-AGGCTGC.
Identifiers: ClinVar variation 2770588 (VCV002770588.3), dbSNP rs2528153884, ClinGen allele CA2697548153.
Genomic context (GRCh38, chr2:47,905,586, plus strand): 5'-CGGAGGCGGCGGTGGCGGCGGCGGAGGCTGCTGCTGCTGCTGCTGCTGCGGCGGCGGCGG[A>AGGCTGC]GGCTGCTGCTGGGGCGGCTGCTGCTGGGGCGGCTGCGGCGGCGGCTGCTGCGGGGGCTGC-3'

ClinVar aggregate classification (germline): Uncertain significance (1 of 4 stars; one submission).

Submission:

Labcorp Genetics (formerly Invitae), Labcorp
Classification: Uncertain significance. Last evaluated: 2023-10-22. Review status: criteria provided, single submitter. Criteria: Invitae Variant Classification Sherloc (09022015). Collection method: clinical testing. Allele origin: germline.
Comment: This variant, c.129_134dup, results in the insertion of 2 amino acid(s) of the FBXO11 protein (p.Gln44_Pro45dup), but otherwise preserves the integrity of the reading frame. This variant is not present in population databases (gnomAD no frequency). This variant has not been reported in the literature in individuals affected with FBXO11-related conditions. In summary, the available evidence is currently insufficient to determine the role of this variant in disease. Therefore, it has been classified as a Variant of Uncertain Significance.